The following is an entry in ClinVar:

NM_001355436.2(SPTB):c.3395C>T (p.Thr1132Met)

Gene: SPTB (spectrin beta, erythrocytic; minus strand). Cytogenetic location: 14q23.3.
Variant type: single nucleotide variant.
Coding change: c.3395C>T on transcript NM_001355436.2 (MANE Select); coding-DNA position 3395, C replaced by T.
Protein change: p.Thr1132Met; replaces threonine 1132 with methionine.
Molecular consequence: missense variant.
Genome position (GRCh38, 1-based): chr14:64,786,570, G>A on the plus strand (C>T on the coding strand, the complement: SPTB is on the minus strand). VCF-style: chr14-64786570-G-A. GRCh37 (hg19) VCF-style: chr14-65253288-G-A.
Other names: p.Thr1132Met; c.3395C>T, p.Thr1132Met (NM_001024858.4, NM_001355437.2); short protein forms T1132M.
Identifiers: ClinVar variation 1330453 (VCV001330453.8), dbSNP rs186859277, ClinGen allele CA7230640.

ClinVar aggregate classification (germline): Uncertain significance. Review status: criteria provided, multiple submitters, no conflicts (2 of 4 stars). 2 submissions from 2 submitters: Uncertain significance (2). Last evaluated 2025-03-18.

Allele frequency attached by ClinVar (database versions not stated): gnomAD exomes 0.00002 and 0.00004; gnomAD 0.00009; 1000 Genomes Project 0.00020; 1000 Genomes Project 30x 0.00016; ESP Exome Variant Server 0.00008; TOPMed 0.00011; ExAC 0.00004.
gnomAD v4.1: 44 of 1,614,150 alleles (0.0027%); highest among the groups gnomAD compares: Admixed American, 0.027%; no homozygotes.

Submissions (2):

Mayo Clinic Laboratories, Mayo Clinic
Classification: Uncertain significance. Last evaluated: 2025-03-18. Review status: criteria provided, single submitter. Criteria: ACMG Guidelines, 2015. Collection method: clinical testing. Allele origin: germline. Observed: 1 variant allele.
Comment: PM2_supporting

ARUP Laboratories, Molecular Genetics and Genomics, ARUP Laboratories
Classification: Uncertain significance. Last evaluated: 2021-05-25. Review status: criteria provided, single submitter. Criteria: ARUP Molecular Germline Variant Investigation Process 2021. Collection method: clinical testing. Allele origin: germline.